The following is an entry in ClinVar:

ClinVar aggregate classification (germline): Pathogenic (1 of 4 stars; one submission).

Conditions:
Familial cancer of breast. Also called: Hereditary breast cancer; BREAST CANCER, FAMILIAL; hereditary breast carcinoma. Identifiers: Orphanet 227535, MedGen C0346153, MONDO:0016419, OMIM 114480. Disease mechanism: loss of function.
Fanconi anemia complementation group J. Also called: BRIP1-Related Fanconi Anemia. Identifiers: Orphanet 84, MedGen C1836860, MONDO:0012187, OMIM 609054.

Submission:

Labcorp Genetics (formerly Invitae), Labcorp
Classification: Pathogenic for Familial cancer of breast; Fanconi anemia complementation group J. Last evaluated: 2020-03-22. Review status: criteria provided, single submitter. Criteria: Invitae Variant Classification Sherloc (09022015). Collection method: clinical testing. Allele origin: germline.
Comment: This sequence change creates a premature translational stop signal (p.Arg431*) in the BRIP1 gene. It is expected to result in an absent or disrupted protein product. This variant is not present in population databases (ExAC no frequency). This variant has not been reported in the literature in individuals with BRIP1-related conditions. Loss-of-function variants in BRIP1 are known to be pathogenic (PMID: 16116423, 17033622, 21964575). For these reasons, this variant has been classified as Pathogenic.

Literature cited by the submitters: PubMed 16116423; PubMed 17033622; PubMed 21964575.

NM_032043.3(BRIP1):c.1289_1290dup (p.Arg431Ter)

Gene: BRIP1 (BRCA1 interacting DNA helicase 1; minus strand). Cytogenetic location: 17q23.2.
Variant type: Microsatellite.
Coding change: c.1289_1290dup on transcript NM_032043.3 (MANE Select); coding-DNA positions 1289 to 1290, 2 bases duplicated (TA; older notation c.1289_1290dupTA).
Protein change: p.Arg431Ter; replaces arginine 431 with a stop codon.
Molecular consequence: nonsense.
Genome position (GRCh38, 1-based): chr17:61,799,150-61,799,151, TA duplicated on the plus strand (TA on the coding strand, the reverse complement: BRIP1 is on the minus strand); duplicating any 2 consecutive bases within chr17:61,799,150-61,799,154 gives the same sequence; the c. name uses the placement nearest the transcript's 3' end. VCF-style (leftmost placement, unchanged base first): chr17-61799149-T-TTA. GRCh37 (hg19) VCF-style: chr17-59876510-T-TTA.
Other names: short protein forms R431*.
Identifiers: ClinVar variation 1068821 (VCV001068821.8), dbSNP rs2145302423, ClinGen allele CA2580613194.